The following is an entry in ClinVar:

NM_182914.3(SYNE2):c.*507C>A

Gene: SYNE2 (spectrin repeat containing nuclear envelope protein 2; plus strand). Cytogenetic location: 14q23.2.
Variant type: single nucleotide variant.
Coding change: c.*507C>A on transcript NM_182914.3 (MANE Select); 507 bases downstream of the stop codon, C replaced by A.
Molecular consequence: 3 prime UTR variant.
Genome position (GRCh38, 1-based): chr14:64,226,033, C>A. VCF-style: chr14-64226033-C-A. GRCh37 (hg19) VCF-style: chr14-64692751-C-A.
Other names: c.*507C>A (NM_015180.6, NM_182910.2, NM_182913.4).
Identifiers: ClinVar variation 313683 (VCV000313683.5), dbSNP rs187600277, ClinGen allele CA10635066.

ClinVar aggregate classification (germline): Benign (1 of 4 stars; one submission).

Conditions:
Emery-Dreifuss muscular dystrophy 5, autosomal dominant (EDMD5). Also called: EMERY-DREIFUSS MUSCULAR DYSTROPHY 5. Identifiers: Orphanet 261, MedGen C2751805, MONDO:0013072, OMIM 612999.

Allele frequency attached by ClinVar (database versions not stated): 1000 Genomes Project 30x 0.00312; TOPMed 0.00072; 1000 Genomes Project 0.00300.
gnomAD v4.1: 103 of 207,686 alleles (0.05%); highest among the groups gnomAD compares: East Asian, 1%; 2 homozygotes.

Submission:

Illumina Laboratory Services, Illumina
Classification: Benign for Emery-Dreifuss muscular dystrophy 5, autosomal dominant. Last evaluated: 2018-01-13. Review status: criteria provided, single submitter. Criteria: ICSL Variant Classification Criteria 13 December 2019. Collection method: clinical testing. Allele origin: germline.
Comment: This variant was observed in the ICSL laboratory as part of a predisposition screen in an ostensibly healthy population. It had not been previously curated by ICSL or reported in the Human Gene Mutation Database (HGMD: prior to June 1st, 2018), and was therefore a candidate for classification through an automated scoring system. Utilizing variant allele frequency, disease prevalence and penetrance estimates, and inheritance mode, an automated score was calculated to assess if this variant is too frequent to cause the disease. Based on the score and internal cut-off values, a variant classified as benign is not then subjected to further curation. The score for this variant resulted in a classification of benign for this disease.